The following is an entry in ClinVar:

ClinVar aggregate classification (germline): Uncertain significance (1 of 4 stars; one submission).

Conditions:
Cardiovascular phenotype. Identifiers: MedGen CN230736.

Allele frequency attached by ClinVar (database versions not stated): gnomAD 0.00001; TOPMed 0.00001; ESP Exome Variant Server 0.00008.
gnomAD v4.1: 1 of 1,613,100 alleles (0.000062%); highest among the groups gnomAD compares: African/African-American, 0.0013%; no homozygotes.

Submission:

Ambry Genetics
Classification: Uncertain significance for Cardiovascular phenotype. Last evaluated: 2018-12-29. Review status: criteria provided, single submitter. Criteria: Ambry Variant Classification Scheme 2023. Collection method: clinical testing. Allele origin: germline.
Comment: The p.G18935V variant (also known as c.56804G>T), located in coding exon 153 of the TTN gene, results from a G to T substitution at nucleotide position 56804. The glycine at codon 18935 is replaced by valine, an amino acid with dissimilar properties. This amino acid position is highly conserved in available vertebrate species. In addition, this alteration is predicted to be probably damaging and unknown by PolyPhen and SIFT in silico analyses, respectively. Since supporting evidence is limited at this time, the clinical significance of this alteration remains unclear.

NM_001267550.2(TTN):c.83999G>T (p.Gly28000Val)

Genes: TTN (titin; minus strand), TTN-AS1 (TTN antisense RNA 1; plus strand). Cytogenetic location: 2q31.2.
Variant type: single nucleotide variant.
Coding change: c.83999G>T on transcript NM_001267550.2 (MANE Select); coding-DNA position 83999, G replaced by T.
Protein change: p.Gly28000Val; replaces glycine 28000 with valine.
Molecular consequence: missense variant.
Genome position (GRCh38, 1-based): chr2:178,562,133, C>A on the plus strand (G>T on the coding strand, the complement: TTN is on the minus strand). VCF-style: chr2-178562133-C-A. GRCh37 (hg19) VCF-style: chr2-179426860-C-A.
Other names: c.79076G>T, p.Gly26359Val (NM_001256850.1); c.56804G>T, p.Gly18935Val (NM_003319.4); c.76295G>T, p.Gly25432Val (NM_133378.4); c.57179G>T, p.Gly19060Val (NM_133432.3); c.57380G>T, p.Gly19127Val (NM_133437.4); short protein forms G19060V, G25432V, G26359V, G18935V, G19127V, G28000V.
Identifiers: ClinVar variation 1749032 (VCV001749032.2), dbSNP rs374151070, ClinGen allele CA1988849.
Genomic context (GRCh38, chr2:178,562,133, plus strand): 5'-AGTGATGTTACAGTCTTTGAAGAAGAAACATTGACTCTAGTTGTCTCTTTAAGAGTCTGA[C>A]CATCTTTTCTCCAGTTCACAGTAGCTTGAGGTCTTCCTTTGAATGGCACATCAATCTTAA-3'
Protein context (NP_001254479.2, residues 27990-28010): PQATVNWRKD[Gly28000Val]QTLKETTRVN